The following is an entry in ClinVar:

NM_000540.3(RYR1):c.5671G>A (p.Glu1891Lys)

Gene: RYR1 (ryanodine receptor 1; plus strand). Cytogenetic location: 19q13.2.
Variant type: single nucleotide variant.
Coding change: c.5671G>A on transcript NM_000540.3 (MANE Select); coding-DNA position 5671, G replaced by A.
Protein change: p.Glu1891Lys; replaces glutamic acid 1891 with lysine.
Molecular consequence: missense variant.
Genome position (GRCh38, 1-based): chr19:38,489,300, G>A. VCF-style: chr19-38489300-G-A. GRCh37 (hg19) VCF-style: chr19-38979940-G-A.
Other names: c.5671G>A, p.Glu1891Lys (NM_001042723.2); short protein forms E1891K.
Identifiers: ClinVar variation 1214398 (VCV001214398.9), dbSNP rs990397545, ClinGen allele CA308096625.

ClinVar aggregate classification (germline): Uncertain significance. Review status: criteria provided, multiple submitters, no conflicts (2 of 4 stars). 4 submissions from 4 submitters: Uncertain significance (4). Last evaluated 2024-03-24.

Conditions:
Inborn genetic diseases. Identifiers: MedGen C0950123, MeSH D030342.
Malignant hyperthermia, susceptibility to, 1 (MHS1). Also called: RYR1-Related Malignant Hyperthermia Susceptibility; Anesthesia related hyperthermia; Malignant hyperpyrexia; Fulminating hyperpyrexia; Pharmacogenic myopathy; Malignant hyperthermia suceptibility 1. Identifiers: Orphanet 423, MedGen C2930980, MONDO:0007783, OMIM 145600.

Allele frequency attached by ClinVar (database versions not stated): gnomAD exomes below 0.00001; TOPMed 0.00002; gnomAD 0.00003 and 0.00004.
gnomAD v4.1: 17 of 1,603,370 alleles (0.0011%); highest among the groups gnomAD compares: African/African-American, 0.0094%; no homozygotes.

Submissions (4):

All of Us Research Program, National Institutes of Health
Classification: Uncertain significance for Malignant hyperthermia, susceptibility to, 1. Last evaluated: 2024-03-24. Review status: criteria provided, single submitter. Criteria: ACMG Guidelines, 2015. Collection method: clinical testing. Allele origin: germline. Inheritance: Autosomal dominant inheritance. Observed: 5 variant alleles, 5 heterozygotes.
Comment: This missense variant replaces glutamic acid with lysine at codon 1891 of the RYR1 protein. Computational prediction suggests that this variant may not impact protein structure and function (internally defined REVEL score threshold <= 0.5, PMID: 27666373). To our knowledge, functional studies have not been reported for this variant. This variant has not been reported in individuals affected with RYR1-related disorders in the literature. This variant has been identified in 4/279084 chromosomes in the general population by the Genome Aggregation Database (gnomAD). The available evidence is insufficient to determine the role of this variant in disease conclusively. Therefore, this variant is classified as a Variant of Uncertain Significance.

This study involves interpretation of variants in research participants for the purpose of population health screening. Participant phenotype was not available at the time of variant classification. Additional details can be found in publication PMID: 35346344, PMCID: PMC8962531

Color Diagnostics, LLC DBA Color Health
Classification: Uncertain significance for Malignant hyperthermia, susceptibility to, 1. Last evaluated: 2024-03-07. Review status: criteria provided, single submitter. Criteria: ACMG Guidelines, 2015. Collection method: clinical testing. Allele origin: germline.
Comment: This missense variant replaces glutamic acid with lysine at codon 1891 of the RYR1 protein. Computational prediction suggests that this variant may not impact protein structure and function. To our knowledge, functional studies have not been reported for this variant. This variant has not been reported in individuals affected with RYR1-related disorders in the literature. This variant has been identified in 4/279084 chromosomes in the general population by the Genome Aggregation Database (gnomAD). The available evidence is insufficient to determine the role of this variant in disease conclusively. Therefore, this variant is classified as a Variant of Uncertain Significance.

Ambry Genetics
Classification: Uncertain significance for Inborn genetic diseases. Last evaluated: 2021-07-14. Review status: criteria provided, single submitter. Criteria: Ambry Variant Classification Scheme 2023. Collection method: clinical testing. Allele origin: germline.

GeneDx
Classification: Uncertain significance. Last evaluated: 2019-12-11. Review status: criteria provided, single submitter. Criteria: GeneDx Variant Classification Process June 2021. Collection method: clinical testing. Allele origin: germline. Affected: yes.
Comment: Has not been previously published as pathogenic or benign to our knowledge; In silico analysis, which includes protein predictors and evolutionary conservation, supports that this variant does not alter protein structure/function